The following is an entry in ClinVar:

ClinVar aggregate classification (germline): Uncertain significance (1 of 4 stars; one submission).

Conditions:
Immunodeficiency 39 (IMD39). Identifiers: Orphanet 574918, MedGen C4225358, MONDO:0014597, OMIM 616345.

Submission:

Labcorp Genetics (formerly Invitae), Labcorp
Classification: Uncertain significance for Immunodeficiency 39. Last evaluated: 2024-06-26. Review status: criteria provided, single submitter. Criteria: Invitae Variant Classification Sherloc (09022015). Collection method: clinical testing. Allele origin: germline.
Comment: This sequence change affects a splice site in intron 6 of the IRF7 gene. It is expected to disrupt RNA splicing. Variants that disrupt the donor or acceptor splice site typically lead to a loss of protein function (PMID: 16199547), however the current clinical and genetic evidence is not sufficient to establish whether loss-of-function variants in IRF7 cause disease. Information on the frequency of this variant in the gnomAD database is not available, as this variant may be reported differently in the database. This variant has not been reported in the literature in individuals affected with IRF7-related conditions. In summary, the available evidence is currently insufficient to determine the role of this variant in disease. Therefore, it has been classified as a Variant of Uncertain Significance.

Literature cited by the submitters: PubMed 16199547.

NM_001572.5(IRF7):c.847+2_847+4delinsAAG

Gene: IRF7 (interferon regulatory factor 7; minus strand). Cytogenetic location: 11p15.5.
Variant type: Indel.
Coding change: c.847+2_847+4delinsAAG on transcript NM_001572.5 (MANE Select); the canonical splice donor site of the intron after coding-DNA position 847 through 4 bases into the intron after coding-DNA position 847, TGA replaced by AAG.
Molecular consequence: splice donor variant.
Genome position (GRCh38, 1-based): chr11:613,781-613,783, TCA replaced by CTT on the plus strand (TGA replaced by AAG on the coding strand, the reverse complement: IRF7 is on the minus strand). VCF-style: chr11-613781-TCA-CTT. GRCh37 (hg19) VCF-style: chr11-613781-TCA-CTT.
Other names: c.760+2_760+4delinsAAG (NM_004029.4); c.886+2_886+4delinsAAG (NM_004031.4).
Identifiers: ClinVar variation 3620498 (VCV003620498.2).